The following is an entry in ClinVar:

ClinVar aggregate classification (germline): Uncertain significance (1 of 4 stars; one submission).

Allele frequency attached by ClinVar (database versions not stated): TOPMed 0.00006; gnomAD 0.00007.
gnomAD v4.1: 16 of 1,603,226 alleles (0.001%); highest among the groups gnomAD compares: Admixed American, 0.025%; no homozygotes.

Submission:

Labcorp Genetics (formerly Invitae), Labcorp
Classification: Uncertain significance. Last evaluated: 2022-05-27. Review status: criteria provided, single submitter. Criteria: Invitae Variant Classification Sherloc (09022015). Collection method: clinical testing. Allele origin: germline.
Comment: In summary, the available evidence is currently insufficient to determine the role of this variant in disease. Therefore, it has been classified as a Variant of Uncertain Significance. Advanced modeling of protein sequence and biophysical properties (such as structural, functional, and spatial information, amino acid conservation, physicochemical variation, residue mobility, and thermodynamic stability) performed at Invitae indicates that this missense variant is not expected to disrupt FAT4 protein function. This variant has not been reported in the literature in individuals affected with FAT4-related conditions. This variant is present in population databases (no rsID available, gnomAD 0.009%). This sequence change replaces histidine, which is basic and polar, with arginine, which is basic and polar, at codon 4173 of the FAT4 protein (p.His4173Arg).

NM_001291303.3(FAT4):c.12524A>G (p.His4175Arg)

Gene: FAT4 (FAT atypical cadherin 4; plus strand). Cytogenetic location: 4q28.1.
Variant type: single nucleotide variant.
Coding change: c.12524A>G on transcript NM_001291303.3 (MANE Select); coding-DNA position 12524, A replaced by G.
Protein change: p.His4175Arg; replaces histidine 4175 with arginine.
Molecular consequence: missense variant.
Genome position (GRCh38, 1-based): chr4:125,479,785, A>G. VCF-style: chr4-125479785-A-G. GRCh37 (hg19) VCF-style: chr4-126400940-A-G.
Other names: c.12524A>G, p.His4175Arg (NM_001291285.3); c.12518A>G, p.His4173Arg (NM_024582.6); short protein forms H4173R, H4175R.
Identifiers: ClinVar variation 2124171 (VCV002124171.4), dbSNP rs1192229951, ClinGen allele CA358132194.